The following is an entry in ClinVar:

NM_003128.3(SPTBN1):c.5262C>T (p.Arg1754=)

Gene: SPTBN1 (spectrin beta, non-erythrocytic 1; plus strand). Cytogenetic location: 2p16.2.
Variant type: single nucleotide variant.
Coding change: c.5262C>T on transcript NM_003128.3 (MANE Select); coding-DNA position 5262, C replaced by T.
Protein change: p.Arg1754=; no amino-acid change (arginine 1754 retained).
Molecular consequence: synonymous variant.
Genome position (GRCh38, 1-based): chr2:54,649,674, C>T. VCF-style: chr2-54649674-C-T. GRCh37 (hg19) VCF-style: chr2-54876811-C-T.
Other names: c.5223C>T, p.Arg1741= (NM_178313.3).
Identifiers: ClinVar variation 3257033 (VCV003257033.17).

ClinVar aggregate classification (germline): Likely benign (1 of 4 stars; one submission).

gnomAD v4.1: 78 of 1,613,830 alleles (0.0048%); highest among the groups gnomAD compares: Non-Finnish European, 0.0052%; no homozygotes.

Submission:

CeGaT Center for Human Genetics Tuebingen
Classification: Likely benign. Last evaluated: 2024-07-01. Review status: criteria provided, single submitter. Criteria: CeGaT Center For Human Genetics Tuebingen Variant Classification Criteria Version 2. Collection method: clinical testing. Allele origin: germline. Affected: yes. Observed: 1 variant allele.
Comment: SPTBN1: BP4, BP7